The following is an entry in ClinVar:

ClinVar aggregate classification (germline): Uncertain significance (1 of 4 stars; one submission).

gnomAD v4.1: 1 of 1,610,876 alleles (0.000062%); highest among the groups gnomAD compares: Non-Finnish European, 0.000085%; no homozygotes.

Submission:

Labcorp Genetics (formerly Invitae), Labcorp
Classification: Uncertain significance. Last evaluated: 2024-12-22. Review status: criteria provided, single submitter. Criteria: Invitae Variant Classification Sherloc (09022015). Collection method: clinical testing. Allele origin: germline.
Comment: This sequence change replaces threonine, which is neutral and polar, with isoleucine, which is neutral and non-polar, at codon 951 of the CACNA1D protein (p.Thr951Ile). This variant is not present in population databases (gnomAD no frequency). This variant has not been reported in the literature in individuals affected with CACNA1D-related conditions. Invitae Evidence Modeling of protein sequence and biophysical properties (such as structural, functional, and spatial information, amino acid conservation, physicochemical variation, residue mobility, and thermodynamic stability) indicates that this missense variant is expected to disrupt CACNA1D protein function with a positive predictive value of 80%. In summary, the available evidence is currently insufficient to determine the role of this variant in disease. Therefore, it has been classified as a Variant of Uncertain Significance.

NM_001128840.3(CACNA1D):c.2792C>T (p.Thr931Ile)

Gene: CACNA1D (calcium voltage-gated channel subunit alpha1 D; plus strand). Cytogenetic location: 3p21.1.
Variant type: single nucleotide variant.
Coding change: c.2792C>T on transcript NM_001128840.3 (MANE Select); coding-DNA position 2792, C replaced by T.
Protein change: p.Thr931Ile; replaces threonine 931 with isoleucine.
Molecular consequence: missense variant.
Genome position (GRCh38, 1-based): chr3:53,740,320, C>T. VCF-style: chr3-53740320-C-T. GRCh37 (hg19) VCF-style: chr3-53774347-C-T.
Other names: c.2852C>T, p.Thr951Ile (NM_000720.4); c.2792C>T, p.Thr931Ile (NM_001128839.3); short protein forms T951I, T931I.
Identifiers: ClinVar variation 3667281 (VCV003667281.2).